The following is an entry in ClinVar:

ClinVar aggregate classification (germline): Pathogenic/Likely pathogenic. Review status: criteria provided, multiple submitters, no conflicts (2 of 4 stars). 3 submissions from 3 submitters: Pathogenic (2); Likely pathogenic (1). Last evaluated 2025-03-06.

Conditions:
Coffin-Siris syndrome 8. Identifiers: MedGen C5193054, MONDO:0032702, OMIM 618362.

Submissions (3):

GeneDx
Classification: Pathogenic. Last evaluated: 2025-03-06. Review status: criteria provided, single submitter. Criteria: GeneDx Variant Classification Process June 2021. Collection method: clinical testing. Allele origin: germline.
Comment: Identified in patients with clinical features consistent with a SMARCC2-related disorder in published literature and tested at GeneDx, at least one of which as de novo with confirmed parentage (PMID: 37551667, 37586840); Nonsense variant predicted to result in protein truncation or nonsense mediated decay in a gene for which loss of function is a known mechanism of disease; Not observed at significant frequency in large population cohorts (gnomAD); This variant is associated with the following publications: (PMID: 37551667, 37586840)

Variantyx, Inc.
Classification: Pathogenic for Coffin-Siris syndrome 8. Last evaluated: 2025-03-02. Review status: criteria provided, single submitter. Criteria: Variantyx Assertion Criteria 2022. Collection method: clinical testing. Allele origin: de novo. Inheritance: Autosomal dominant inheritance. Affected: yes.
Comment: This is a nonsense variant in the SMARCC2 gene (OMIM: 601734). Pathogenic variants in this gene have been associated with autosomal dominant Coffin-Siris syndrome 8. This variant likely occurred de novo in one or more of the following: the current proband, individual(s) reported in the published literature or previous internal cases; however, the possibility of parental germline mosaicism cannot be excluded (PMID: 37551667) (PS2_Supporting). This variant introduces a premature termination codon in exon 7 out of 29 and is expected to result in loss of function, which is a known disease mechanism for SMARCC2 in this disorder (PMID: 30580808) (PVS1). This variant is absent from control populations (PM2). This variant has been reported in the heterozygous state in at least one affected individual (PMID: 37551667). Based on the current evidence, this variant is classified as pathogenic for autosomal dominant Coffin-Siris syndrome 8.

Equipe Genetique des Anomalies du Developpement, Université de Bourgogne
Classification: Likely pathogenic for Coffin-Siris syndrome 8. Last evaluated: 2021-10-28. Review status: criteria provided, single submitter. Criteria: ACMG Guidelines, 2015. Collection method: clinical testing. Allele origin: maternal. Affected: yes.

Literature cited by the submitters: PubMed 30580808 (cited by Variantyx, Inc.); PubMed 37551667 (cited by Variantyx, Inc.).

NM_001330288.2(SMARCC2):c.574C>T (p.Arg192Ter)

Gene: SMARCC2 (SWI/SNF related BAF chromatin remodeling complex subunit C2; minus strand). Cytogenetic location: 12q13.2.
Variant type: single nucleotide variant.
Coding change: c.574C>T on transcript NM_001330288.2 (MANE Select); coding-DNA position 574, C replaced by T.
Protein change: p.Arg192Ter; replaces arginine 192 with a stop codon.
Molecular consequence: nonsense.
Genome position (GRCh38, 1-based): chr12:56,183,919, G>A on the plus strand (C>T on the coding strand, the complement: SMARCC2 is on the minus strand). VCF-style: chr12-56183919-G-A. GRCh37 (hg19) VCF-style: chr12-56577703-G-A.
Other names: c.574C>T, p.Arg192Ter (NM_001130420.3, NM_003075.5, NM_139067.4); c.574C>T (NM_003075.3); short protein forms R192*.
Identifiers: ClinVar variation 1302011 (VCV001302011.3), dbSNP rs1876739249, ClinGen allele CA385355574.
Genomic context (GRCh38, chr12:56,183,919, plus strand): 5'-ACCTGTCAGGATAGTAGCCCCAGTGCAGAAGAACCTGCTTATCCCTCTTCATGACTGGTC[G>A]TACCCATTCCTCTGGGGATAGAGGAAGAGAAGGGAGAGATATAAGCTAAAGGGGGACACA-3'